The following is an entry in ClinVar:

NM_000264.5(PTCH1):c.2134C>G (p.Leu712Val)

Genes: PTCH1 (patched 1; minus strand), LOC100507346 (uncharacterized LOC100507346; plus strand). Cytogenetic location: 9q22.32.
Variant type: single nucleotide variant.
Coding change: c.2134C>G on transcript NM_000264.5 (MANE Select); coding-DNA position 2134, C replaced by G.
Protein change: p.Leu712Val; replaces leucine 712 with valine.
Molecular consequence: missense variant. On other transcripts: non-coding transcript variant (2).
Genome position (GRCh38, 1-based): chr9:95,468,867, G>C on the plus strand (C>G on the coding strand, the complement: PTCH1 is on the minus strand). VCF-style: chr9-95468867-G-C. GRCh37 (hg19) VCF-style: chr9-98231149-G-C.
Other names: c.1936C>G, p.Leu646Val (NM_001083602.3); c.2131C>G, p.Leu711Val (NM_001083603.3); c.1681C>G, p.Leu561Val (NM_001083604.3, NM_001083605.3, NM_001083606.3 and 1 more transcripts); c.1978C>G, p.Leu660Val (NM_001354918.2); short protein forms L712V, L561V, L646V, L660V, L711V.
Identifiers: ClinVar variation 970748 (VCV000970748.11), dbSNP rs587780696, ClinGen allele CA374115585.

ClinVar aggregate classification (germline): Uncertain significance. Review status: criteria provided, multiple submitters, no conflicts (2 of 4 stars). 2 submissions from 2 submitters: Uncertain significance (2). Last evaluated 2026-05-19.

Conditions:
Hereditary cancer-predisposing syndrome. Also called: Hereditary Cancer Syndrome; Neoplastic Syndromes, Hereditary; Tumor predisposition; Hereditary neoplastic syndrome. Identifiers: Orphanet 140162, MedGen C0027672, MeSH D009386, MONDO:0015356.
Gorlin syndrome. Also called: Nevoid Basal Cell Carcinoma Syndrome; Basal cell nevus syndrome. Identifiers: Orphanet 377, MedGen C0004779, MONDO:0007187.

Submissions (2):

Ambry Genetics
Classification: Uncertain significance for Hereditary cancer-predisposing syndrome. Last evaluated: 2026-05-19. Review status: criteria provided, single submitter. Criteria: Ambry Variant Classification Scheme 2023. Collection method: clinical testing. Allele origin: germline.
Comment: The p.L712V variant (also known as c.2134C>G), located in coding exon 14 of the PTCH1 gene, results from a C to G substitution at nucleotide position 2134. The leucine at codon 712 is replaced by valine, an amino acid with highly similar properties. This amino acid position is conserved. In addition, the in silico prediction for this alteration is inconclusive. Based on the available evidence, the clinical significance of this variant remains unclear.

Labcorp Genetics (formerly Invitae), Labcorp
Classification: Uncertain significance for Gorlin syndrome. Last evaluated: 2019-10-31. Review status: criteria provided, single submitter. Criteria: Invitae Variant Classification Sherloc (09022015). Collection method: clinical testing. Allele origin: germline.
Comment: In summary, the available evidence is currently insufficient to determine the role of this variant in disease. Therefore, it has been classified as a Variant of Uncertain Significance. Algorithms developed to predict the effect of missense changes on protein structure and function are either unavailable or do not agree on the potential impact of this missense change (SIFT: "Deleterious"; PolyPhen-2: "Benign"; Align-GVGD: "Class C0"). This variant has not been reported in the literature in individuals with PTCH1-related conditions. This variant is not present in population databases (ExAC no frequency). This sequence change replaces leucine with valine at codon 712 of the PTCH1 protein (p.Leu712Val). The leucine residue is moderately conserved and there is a small physicochemical difference between leucine and valine.